The following is an entry in ClinVar:

ClinVar aggregate classification (germline): Uncertain significance (1 of 4 stars; one submission).

Conditions:
Hypoplastic left heart syndrome. Also called: Hypoplastic left ventricle; Hypoplastic left heart. Identifiers: Orphanet 2248, MedGen C0152101, MONDO:0004933, HP:0004383.

Submission:

Labcorp Genetics (formerly Invitae), Labcorp
Classification: Uncertain significance for Hypoplastic left heart syndrome. Last evaluated: 2023-10-23. Review status: criteria provided, single submitter. Criteria: Invitae Variant Classification Sherloc (09022015). Collection method: clinical testing. Allele origin: germline.
Comment: This sequence change replaces proline, which is neutral and non-polar, with glutamine, which is neutral and polar, at codon 61 of the HAND1 protein (p.Pro61Gln). The frequency data for this variant in the population databases is considered unreliable, as metrics indicate poor data quality at this position in the gnomAD database. This variant has not been reported in the literature in individuals affected with HAND1-related conditions. An algorithm developed to predict the effect of missense changes on protein structure and function (PolyPhen-2) suggests that this variant is likely to be tolerated. In summary, the available evidence is currently insufficient to determine the role of this variant in disease. Therefore, it has been classified as a Variant of Uncertain Significance.

NM_004821.3(HAND1):c.182C>A (p.Pro61Gln)

Gene: HAND1 (heart and neural crest derivatives expressed 1; minus strand). Cytogenetic location: 5q33.2.
Variant type: single nucleotide variant.
Coding change: c.182C>A on transcript NM_004821.3 (MANE Select); coding-DNA position 182, C replaced by A.
Protein change: p.Pro61Gln; replaces proline 61 with glutamine.
Molecular consequence: missense variant.
Genome position (GRCh38, 1-based): chr5:154,477,827, G>T on the plus strand (C>A on the coding strand, the complement: HAND1 is on the minus strand). VCF-style: chr5-154477827-G-T. GRCh37 (hg19) VCF-style: chr5-153857387-G-T.
Other names: short protein forms P61Q.
Identifiers: ClinVar variation 2715598 (VCV002715598.3), dbSNP rs760076464, ClinGen allele CA361923263.